The following is an entry in ClinVar:

ClinVar aggregate classification (germline): Uncertain significance (1 of 4 stars; one submission).

Allele frequency attached by ClinVar (database versions not stated): gnomAD 0.00001; ExAC 0.00002; gnomAD exomes 0.00002; TOPMed 0.00004; ESP Exome Variant Server 0.00008.
gnomAD v4.1: 28 of 1,608,598 alleles (0.0017%); highest among the groups gnomAD compares: Non-Finnish European, 0.002%; no homozygotes.

Submission:

Labcorp Genetics (formerly Invitae), Labcorp
Classification: Uncertain significance. Last evaluated: 2024-11-06. Review status: criteria provided, single submitter. Criteria: Invitae Variant Classification Sherloc (09022015). Collection method: clinical testing. Allele origin: germline.
Comment: This sequence change replaces arginine, which is basic and polar, with glutamine, which is neutral and polar, at codon 681 of the FBN3 protein (p.Arg681Gln). This variant is present in population databases (rs373111917, gnomAD 0.007%). This variant has not been reported in the literature in individuals affected with FBN3-related conditions. ClinVar contains an entry for this variant (Variation ID: 2726596). An algorithm developed to predict the effect of missense changes on protein structure and function (PolyPhen-2) suggests that this variant is likely to be tolerated. In summary, the available evidence is currently insufficient to determine the role of this variant in disease. Therefore, it has been classified as a Variant of Uncertain Significance.

NM_032447.5(FBN3):c.2042G>A (p.Arg681Gln)

Gene: FBN3 (fibrillin 3; minus strand). Cytogenetic location: 19p13.2.
Variant type: single nucleotide variant.
Coding change: c.2042G>A on transcript NM_032447.5 (MANE Select); coding-DNA position 2042, G replaced by A.
Protein change: p.Arg681Gln; replaces arginine 681 with glutamine.
Molecular consequence: missense variant.
Genome position (GRCh38, 1-based): chr19:8,131,237, C>T on the plus strand (G>A on the coding strand, the complement: FBN3 is on the minus strand). VCF-style: chr19-8131237-C-T. GRCh37 (hg19) VCF-style: chr19-8196121-C-T.
Other names: c.2042G>A, p.Arg681Gln (NM_001321431.2); short protein forms R681Q.
Identifiers: ClinVar variation 2726596 (VCV002726596.3), dbSNP rs373111917, ClinGen allele CA9153068.